The following is an entry in ClinVar:

NM_006915.3(RP2):c.884-1G>A

Gene: RP2 (RP2 activator of ARL3 GTPase; plus strand). Cytogenetic location: Xp11.3.
Variant type: single nucleotide variant.
Coding change: c.884-1G>A on transcript NM_006915.3 (MANE Select); the canonical splice acceptor site of the intron before coding-DNA position 884, G replaced by A.
Molecular consequence: splice acceptor variant.
Genome position (GRCh38, 1-based): chrX:46,877,504, G>A. VCF-style: chrX-46877504-G-A. GRCh37 (hg19) VCF-style: chrX-46736939-G-A.
Identifiers: ClinVar variation 866273 (VCV000866273.13), dbSNP rs1925389524, ClinGen allele CA413036148.

ClinVar aggregate classification (germline): Pathogenic. Review status: criteria provided, multiple submitters, no conflicts (2 of 4 stars). 2 submissions from 2 submitters: Pathogenic (2). Last evaluated 2020-02-02.

Conditions:
RP2-related disorder. Also called: RP2-related condition.

Submissions (2):

Labcorp Genetics (formerly Invitae), Labcorp
Classification: Pathogenic. Last evaluated: 2020-02-02. Review status: criteria provided, single submitter. Criteria: Invitae Variant Classification Sherloc (09022015). Collection method: clinical testing. Allele origin: germline.
Comment: Algorithms developed to predict the effect of sequence changes on RNA splicing suggest that this variant may disrupt the consensus splice site, but this prediction has not been confirmed by published transcriptional studies. For these reasons, this variant has been classified as Pathogenic. Donor and acceptor splice site variants typically lead to a loss of protein function (PMID: 16199547), and loss-of-function variants in RP2 are known to be pathogenic (PMID: 11992260, 20625056). Disruption of this splice site has been observed in individual(s) with retinitis pigmentosa (PMID:18552978, 25133751, 25356976). This variant is not present in population databases (ExAC no frequency). This sequence change affects an acceptor splice site in intron 3 of the RP2 gene. It is expected to disrupt RNA splicing and likely results in an absent or disrupted protein product.

Blueprint Genetics
Classification: Pathogenic for RP2-related disorders. Last evaluated: 2019-01-23. Review status: criteria provided, single submitter. Criteria: ACMG Guidelines, 2015. Collection method: clinical testing. Allele origin: germline. Affected: yes. Observed: 3 variant alleles.

Literature cited by the submitters: PubMed 16199547 (cited by Labcorp Genetics (formerly Invitae), Labcorp); PubMed 11992260 (cited by Labcorp Genetics (formerly Invitae), Labcorp); PubMed 20625056 (cited by Labcorp Genetics (formerly Invitae), Labcorp); PubMed 18552978 (cited by Labcorp Genetics (formerly Invitae), Labcorp); PubMed 25133751 (cited by Labcorp Genetics (formerly Invitae), Labcorp); PubMed 25356976 (cited by Labcorp Genetics (formerly Invitae), Labcorp).